The following is an entry in ClinVar:

ClinVar aggregate classification (germline): Uncertain significance (1 of 4 stars; one submission).

Conditions:
Neuropathy, hereditary sensory and autonomic, type 2A (HSAN2A). Also called: MORVAN DISEASE; NEUROPATHY, CONGENITAL SENSORY; NEUROPATHY, HEREDITARY SENSORY RADICULAR, AUTOSOMAL RECESSIVE; NEUROPATHY, HEREDITARY SENSORY, TYPE IIA; NEUROPATHY, PROGRESSIVE SENSORY, OF CHILDREN; ACROOSTEOLYSIS, GIACCAI TYPE. Identifiers: Orphanet 970, MedGen C2752089, MONDO:0024309, OMIM 201300.
Pseudohypoaldosteronism type 2C (PHA2C). Also called: Pseudohypoaldosteronism Type IIC. Identifiers: Orphanet 757, Orphanet 88940, MedGen C1840391, MONDO:0013778, OMIM 614492.

Submission:

Labcorp Genetics (formerly Invitae), Labcorp
Classification: Uncertain significance for Neuropathy, hereditary sensory and autonomic, type 2A; Pseudohypoaldosteronism type 2C. Last evaluated: 2022-09-20. Review status: criteria provided, single submitter. Criteria: Invitae Variant Classification Sherloc (09022015). Collection method: clinical testing. Allele origin: germline.
Comment: This variant has not been reported in the literature in individuals affected with WNK1-related conditions. Advanced modeling of protein sequence and biophysical properties (such as structural, functional, and spatial information, amino acid conservation, physicochemical variation, residue mobility, and thermodynamic stability) performed at Invitae indicates that this missense variant is not expected to disrupt WNK1 protein function. In summary, the available evidence is currently insufficient to determine the role of this variant in disease. Therefore, it has been classified as a Variant of Uncertain Significance. This sequence change replaces proline, which is neutral and non-polar, with alanine, which is neutral and non-polar, at codon 1033 of the WNK1 protein (p.Pro1033Ala). This variant is not present in population databases (gnomAD no frequency).

NM_213655.5(WNK1):c.3097C>G (p.Pro1033Ala)

Gene: WNK1 (WNK lysine deficient protein kinase 1; plus strand). Cytogenetic location: 12p13.33.
Variant type: single nucleotide variant.
Coding change: c.3097C>G on transcript NM_213655.5 (MANE Plus Clinical); coding-DNA position 3097, C replaced by G.
Protein change: p.Pro1033Ala; replaces proline 1033 with alanine.
Molecular consequence: missense variant. On other transcripts: intron variant (2).
Genome position (GRCh38, 1-based): chr12:868,568, C>G. VCF-style: chr12-868568-C-G. GRCh37 (hg19) VCF-style: chr12-977734-C-G.
Other names: c.2842C>G, p.Pro948Ala (NM_001184985.2); c.2140-2697C>G (NM_018979.4, NM_014823.3); short protein forms P1033A, P948A.
Identifiers: ClinVar variation 1719872 (VCV001719872.5), dbSNP rs761097510, ClinGen allele CA383340309.
Genomic context (GRCh38, chr12:868,568, plus strand): 5'-AGTATTTCTGCACCTATCAGTACAGATGCTACACGTTTGAAATTTCACCCTGTCTTTGTT[C>G]CTCATTCTGCGCCTGCTGTGTTAACTCATAACAATGAGAGCAGAAGCAACTGTGTATTTG-3'
Protein context (NP_998820.3, residues 1023-1043): TRLKFHPVFV[Pro1033Ala]HSAPAVLTHN